The following is an entry in ClinVar:

ClinVar aggregate classification (germline): Uncertain significance (1 of 4 stars; one submission).

Conditions:
Aicardi-Goutieres syndrome 1. Also called: PSEUDOTOXOPLASMOSIS SYNDROME; CREE ENCEPHALITIS; ENCEPHALOPATHY, FAMILIAL INFANTILE, WITH INTRACRANIAL CALCIFICATION AND CHRONIC CEREBROSPINAL FLUID LYMPHOCYTOSIS. Identifiers: Orphanet 51, MedGen C0796126, MONDO:0009165, OMIM 225750.

Submission:

Baylor Genetics
Classification: Uncertain significance for Aicardi-Goutieres syndrome 1. Last evaluated: 2019-11-07. Review status: criteria provided, single submitter. Criteria: ACMG Guidelines, 2015. Collection method: clinical testing. Allele origin: unknown. Affected: yes.
Comment: This variant was determined to be of uncertain significance according to ACMG Guidelines, 2015 [PMID:25741868].

NM_033629.6(TREX1):c.-26-52C>T

Genes: ATRIP (ATR interacting protein; plus strand), ATRIP-TREX1 (ATRIP-TREX1 readthrough; plus strand), TREX1 (three prime repair exonuclease 1; plus strand). Cytogenetic location: 3p21.31.
Variant type: single nucleotide variant.
Coding change: c.-26-52C>T on transcript NM_033629.6 (MANE Select); 52 bases into the intron before 26 bases upstream of the start codon, C replaced by T.
Molecular consequence: intron variant. On other transcripts: 3 prime UTR variant (4).
Genome position (GRCh38, 1-based): chr3:48,466,578, C>T. VCF-style: chr3-48466578-C-T. GRCh37 (hg19) VCF-style: chr3-48507977-C-T.
Other names: NM_016381.4:c.88C>T; c.*1024C>T (NM_001271022.2, NM_001271023.2, NM_032166.4 and 1 more transcripts); c.-18-90C>T (NM_007248.5).
Identifiers: ClinVar variation 1029599 (VCV001029599.2), dbSNP rs2040311705, ClinGen allele CA352616497.